The following is an entry in ClinVar:

NM_000095.3(COMP):c.1042T>C (p.Cys348Arg)

Gene: COMP (cartilage oligomeric matrix protein; minus strand). Cytogenetic location: 19p13.11.
Variant type: single nucleotide variant.
Coding change: c.1042T>C on transcript NM_000095.3 (MANE Select); coding-DNA position 1042, T replaced by C.
Protein change: p.Cys348Arg; replaces cysteine 348 with arginine.
Molecular consequence: missense variant.
Genome position (GRCh38, 1-based): chr19:18,787,584, A>G on the plus strand (T>C on the coding strand, the complement: COMP is on the minus strand). VCF-style: chr19-18787584-A-G. GRCh37 (hg19) VCF-style: chr19-18898393-A-G.
Other names: short protein forms C348R.
Identifiers: ClinVar variation 9195 (VCV000009195.4), dbSNP rs137852656, ClinGen allele CA254703.

ClinVar aggregate classification (germline): Pathogenic. Review status: criteria provided, single submitter (1 of 4 stars). 2 submissions from 2 submitters: Pathogenic (1). 1 of the submissions does not count toward it. Last evaluated 2023-03-03.

Conditions:
Pseudoachondroplastic spondyloepiphyseal dysplasia syndrome (PSACH). Also called: COMP-Related Pseudoachondroplasia; PSEUDOACHONDROPLASTIC DYSPLASIA; Pseudoachondroplasia. Identifiers: Orphanet 750, MedGen C0410538, MONDO:0008322, OMIM 177170.

Submissions (2):

Labcorp Genetics (formerly Invitae), Labcorp
Classification: Pathogenic. Last evaluated: 2023-03-03. Review status: criteria provided, single submitter. Criteria: Invitae Variant Classification Sherloc (09022015). Collection method: clinical testing. Allele origin: germline.
Comment: ClinVar contains an entry for this variant (Variation ID: 9195). For these reasons, this variant has been classified as Pathogenic. This variant disrupts the p.Cys348 amino acid residue in COMP. Other variant(s) that disrupt this residue have been observed in individuals with COMP-related conditions (PMID: 21922596, 24595329), which suggests that this may be a clinically significant amino acid residue. Advanced modeling of protein sequence and biophysical properties (such as structural, functional, and spatial information, amino acid conservation, physicochemical variation, residue mobility, and thermodynamic stability) performed at Invitae indicates that this missense variant is expected to disrupt COMP protein function. This missense change has been observed in individual(s) with pseudoachondroplasia (PMID: 11746045). In at least one individual the variant was observed to be de novo. This variant is not present in population databases (gnomAD no frequency). This sequence change replaces cysteine, which is neutral and slightly polar, with arginine, which is basic and polar, at codon 348 of the COMP protein (p.Cys348Arg).

OMIM
Classification: Pathogenic for PSEUDOACHONDROPLASIA. Last evaluated: 2001-11-22. Review status: no assertion criteria provided. Collection method: literature only. Allele origin: germline. Not counted in ClinVar's aggregate classification.

Literature cited by the submitters: PubMed 21922596 (cited by Labcorp Genetics (formerly Invitae), Labcorp); PubMed 24595329 (cited by Labcorp Genetics (formerly Invitae), Labcorp); PubMed 11746045 (cited by Labcorp Genetics (formerly Invitae), Labcorp and OMIM).